The following is an entry in ClinVar:

NM_000392.5(ABCC2):c.1080dup (p.Tyr361fs)

Gene: ABCC2 (ATP binding cassette subfamily C member 2; plus strand). Cytogenetic location: 10q24.2.
Variant type: Duplication.
Coding change: c.1080dup on transcript NM_000392.5 (MANE Select); coding-DNA position 1080, one base duplicated (A; older notation c.1080dupA).
Protein change: p.Tyr361fs; shifts the reading frame from tyrosine 361.
Molecular consequence: frameshift variant.
Genome position (GRCh38, 1-based): chr10:99,800,434, A duplicated. VCF-style (leftmost placement, unchanged base first): chr10-99800433-G-GA. GRCh37 (hg19) VCF-style: chr10-101560190-G-GA.
Other names: short protein forms Y361fs.
Identifiers: ClinVar variation 2867253 (VCV002867253.3), dbSNP rs2492873746, ClinGen allele CA2610494614.

ClinVar aggregate classification (germline): Pathogenic (1 of 4 stars; one submission).

Allele frequency attached by ClinVar (database versions not stated): gnomAD exomes below 0.00001.

Submission:

Labcorp Genetics (formerly Invitae), Labcorp
Classification: Pathogenic. Last evaluated: 2023-12-15. Review status: criteria provided, single submitter. Criteria: Invitae Variant Classification Sherloc (09022015). Collection method: clinical testing. Allele origin: germline.
Comment: This sequence change creates a premature translational stop signal (p.Tyr361Ilefs*42) in the ABCC2 gene. It is expected to result in an absent or disrupted protein product. Loss-of-function variants in ABCC2 are known to be pathogenic (PMID: 9185779, 16549534, 16952291). This variant is not present in population databases (gnomAD no frequency). This variant has not been reported in the literature in individuals affected with ABCC2-related conditions. For these reasons, this variant has been classified as Pathogenic.

Literature cited by the submitters: PubMed 9185779; PubMed 16549534; PubMed 16952291.